The following is an entry in ClinVar:

ClinVar aggregate classification (germline): Uncertain significance. Review status: criteria provided, multiple submitters, no conflicts (2 of 4 stars). 3 submissions from 3 submitters: Uncertain significance (3). Last evaluated 2024-10-30.

Conditions:
Inborn genetic diseases. Identifiers: MedGen C0950123, MeSH D030342.

Allele frequency attached by ClinVar (database versions not stated): gnomAD exomes 0.00001; TOPMed 0.00001.
gnomAD v4.1: 5 of 1,614,124 alleles (0.00031%); highest among the groups gnomAD compares: Admixed American, 0.005%; no homozygotes.

Submissions (3):

Labcorp Genetics (formerly Invitae), Labcorp
Classification: Uncertain significance. Last evaluated: 2024-10-30. Review status: criteria provided, single submitter. Criteria: Invitae Variant Classification Sherloc (09022015). Collection method: clinical testing. Allele origin: germline.
Comment: This sequence change replaces histidine, which is basic and polar, with arginine, which is basic and polar, at codon 2270 of the FLNB protein (p.His2270Arg). This variant is present in population databases (no rsID available, gnomAD 0.006%). This variant has not been reported in the literature in individuals affected with FLNB-related conditions. ClinVar contains an entry for this variant (Variation ID: 1359513). Invitae Evidence Modeling of protein sequence and biophysical properties (such as structural, functional, and spatial information, amino acid conservation, physicochemical variation, residue mobility, and thermodynamic stability) indicates that this missense variant is not expected to disrupt FLNB protein function with a negative predictive value of 95%. In summary, the available evidence is currently insufficient to determine the role of this variant in disease. Therefore, it has been classified as a Variant of Uncertain Significance.

Blueprint Genetics
Classification: Uncertain significance. Last evaluated: 2024-09-10. Review status: criteria provided, single submitter. Criteria: ACMG Guidelines, 2015. Collection method: clinical testing. Allele origin: germline.

Ambry Genetics
Classification: Uncertain significance for Inborn genetic diseases. Last evaluated: 2022-10-03. Review status: criteria provided, single submitter. Criteria: Ambry Variant Classification Scheme 2023. Collection method: clinical testing. Allele origin: germline.

NM_001457.4(FLNB):c.6809A>G (p.His2270Arg)

Gene: FLNB (filamin B; plus strand). Cytogenetic location: 3p14.3.
Variant type: single nucleotide variant.
Coding change: c.6809A>G on transcript NM_001457.4 (MANE Select); coding-DNA position 6809, A replaced by G.
Protein change: p.His2270Arg; replaces histidine 2270 with arginine.
Molecular consequence: missense variant.
Genome position (GRCh38, 1-based): chr3:58,155,996, A>G. VCF-style: chr3-58155996-A-G. GRCh37 (hg19) VCF-style: chr3-58141723-A-G.
Other names: c.6809A>G (NM_001457.3); c.6902A>G, p.His2301Arg (NM_001164317.2); c.6776A>G, p.His2259Arg (NM_001164318.2); c.6737A>G, p.His2246Arg (NM_001164319.2); short protein forms H2246R, H2259R, H2301R, H2270R.
Identifiers: ClinVar variation 1359513 (VCV001359513.10), dbSNP rs1416248807, ClinGen allele CA353361924.
Genomic context (GRCh38, chr3:58,155,996, plus strand): 5'-GATGGGACTTTCCTGTCCTCATAGGTAACTACGAGGTGTCCATCAAGTTCAATGATGAGC[A>G]CATCCCGGAAAGCCCCTACCTGGTGCCGGTCATCGCACCCTCCGACGACGCCCGCCGCCT-3'
Protein context (NP_001448.2, residues 2260-2280): YEVSIKFNDE[His2270Arg]IPESPYLVPV